The following is an entry in ClinVar:

ClinVar aggregate classification (germline): Pathogenic/Likely pathogenic. Review status: criteria provided, multiple submitters, no conflicts (2 of 4 stars). 6 submissions from 6 submitters: Pathogenic (3); Likely pathogenic (2). 1 of the submissions does not count toward it. Last evaluated 2024-12-24.

Conditions:
PRPH2-related disorder. Also called: PRPH2-related condition; PRPH2-related disorders. Identifiers: MedGen CN239395.
Retinal dystrophy. Also called: Inherited retinal dystrophy. Identifiers: Orphanet 71862, MedGen C0854723, MeSH D058499, MONDO:0019118, HP:0000556.
Choroideremia. Also called: Chorioretinal scalloped atrophy. Identifiers: Orphanet 180, MedGen C0008525, MONDO:0010557, OMIM 303100, HP:0001139.
Stargardt disease (FFM). Also called: Stargardt's disease; Fundus flavimaculatus. Identifiers: Orphanet 827, MedGen C0271093, MONDO:0019353.

Allele frequency attached by ClinVar (database versions not stated): gnomAD exomes below 0.00001.
gnomAD v4.1: 1 of 1,614,218 alleles (0.000062%); highest among the groups gnomAD compares: Non-Finnish European, 0.000085%; no homozygotes.

Submissions (6):

Labcorp Genetics (formerly Invitae), Labcorp
Classification: Pathogenic for PRPH2-related disorder. Last evaluated: 2024-12-24. Review status: criteria provided, single submitter. Criteria: Invitae Variant Classification Sherloc (09022015). Collection method: clinical testing. Allele origin: germline.
Comment: This sequence change affects an acceptor splice site in intron 1 of the PRPH2 gene. It is expected to disrupt RNA splicing. Variants that disrupt the donor or acceptor splice site typically lead to a loss of protein function (PMID: 16199547), and loss-of-function variants in PRPH2 are known to be pathogenic (PMID: 8111389, 8485575, 8485576, 8675410, 16916875, 17504850, 22863181, 25675413, 26061163, 27365499, 29555955, 33546218). This variant is not present in population databases (gnomAD no frequency). Disruption of this splice site has been observed in individuals with autosomal dominant retinal disease (PMID: 25698705, 26024099). ClinVar contains an entry for this variant (Variation ID: 942452). Algorithms developed to predict the effect of sequence changes on RNA splicing suggest that this variant may disrupt the consensus splice site. For these reasons, this variant has been classified as Pathogenic.

Lab De Baere, Eye and Developmental Genetics Lab, Ghent University
Classification: Likely pathogenic for Choroideremia. Last evaluated: 2024-10-01. Review status: criteria provided, single submitter. Criteria: ACMG Guidelines, 2015. Collection method: research. Allele origin: inherited. Affected: yes. Observed: 1 variant allele.
Comment: ACMG/AMP guidelines: PM2, PVS1, BS4

Blueprint Genetics
Classification: Pathogenic for PRPH2-related disorders. Last evaluated: 2021-07-12. Review status: criteria provided, single submitter. Criteria: ACMG Guidelines, 2015. Collection method: clinical testing. Allele origin: germline. Affected: yes. Observed: 5 variant alleles.

NEI Ophthalmic Genomics Laboratory, National Institutes of Health
Classification: Likely pathogenic for Stargardt disease. Last evaluated: 2020-01-07. Review status: criteria provided, single submitter. Criteria: ACMG Guidelines, 2015. Collection method: clinical testing. Allele origin: germline. Affected: yes.
Comment: The variant NM_000322.4:c.582-1G>A in the PRPH2 gene has been previously studied(PMID 25698705). This variant is listed in dbSNP and/or HGMD (CS153504). It is absent in gnomAD browser. It is not enriched in the PRPH2 disease cohort. We invoked ACMG criteria [PVS1, PM2] and classified NM_000322.4:c.582-1G>A in the PRPH2 gene as a Likely Pathogenic mutation.

Institute of Human Genetics, Univ. Regensburg, Univ. Regensburg
Classification: Pathogenic for Retinal dystrophy. Last evaluated: 2014-01-01. Review status: criteria provided, single submitter. Criteria: ACMG Guidelines, 2015. Collection method: clinical testing. Allele origin: germline. Affected: yes.

Leiden Open Variation Database
Classification: Pathogenic. Last evaluated: 2021-04-06. Review status: no assertion criteria provided. Collection method: curation. Allele origin: germline. Affected: yes. Not counted in ClinVar's aggregate classification.
Comment: Curator: Global Variome, with Curator vacancy. Submitter to LOVD: Manon Peeters.

Literature cited by the submitters: PubMed 16199547 (cited by Labcorp Genetics (formerly Invitae), Labcorp); PubMed 8111389 (cited by Labcorp Genetics (formerly Invitae), Labcorp); PubMed 8485575 (cited by Labcorp Genetics (formerly Invitae), Labcorp); PubMed 8485576 (cited by Labcorp Genetics (formerly Invitae), Labcorp); PubMed 8675410 (cited by Labcorp Genetics (formerly Invitae), Labcorp); PubMed 16916875 (cited by Labcorp Genetics (formerly Invitae), Labcorp); PubMed 17504850 (cited by Labcorp Genetics (formerly Invitae), Labcorp); PubMed 22863181 (cited by Labcorp Genetics (formerly Invitae), Labcorp); PubMed 25675413 (cited by Labcorp Genetics (formerly Invitae), Labcorp); PubMed 26061163 (cited by Labcorp Genetics (formerly Invitae), Labcorp); PubMed 27365499 (cited by Labcorp Genetics (formerly Invitae), Labcorp); PubMed 29555955 (cited by Labcorp Genetics (formerly Invitae), Labcorp); PubMed 33546218 (cited by Labcorp Genetics (formerly Invitae), Labcorp); PubMed 25698705 (cited by 3 submitters); PubMed 26024099 (cited by Labcorp Genetics (formerly Invitae), Labcorp and Leiden Open Variation Database); PubMed 32531846 (cited by Institute of Human Genetics, Univ. Regensburg, Univ. Regensburg and Leiden Open Variation Database); PubMed 33369172 (cited by Institute of Human Genetics, Univ. Regensburg, Univ. Regensburg); PubMed 34411390 (cited by Institute of Human Genetics, Univ. Regensburg, Univ. Regensburg); PubMed 35754085 (cited by Institute of Human Genetics, Univ. Regensburg, Univ. Regensburg); PubMed 36819107 (cited by Institute of Human Genetics, Univ. Regensburg, Univ. Regensburg); PubMed 29847639 (cited by Leiden Open Variation Database); PubMed 30926958 (cited by Leiden Open Variation Database).

NM_000322.5(PRPH2):c.582-1G>A

Gene: PRPH2 (peripherin 2; minus strand). Cytogenetic location: 6p21.1.
Variant type: single nucleotide variant.
Coding change: c.582-1G>A on transcript NM_000322.5 (MANE Select); the canonical splice acceptor site of the intron before coding-DNA position 582, G replaced by A.
Molecular consequence: splice acceptor variant.
Genome position (GRCh38, 1-based): chr6:42,704,612, C>T on the plus strand (G>A on the coding strand, the complement: PRPH2 is on the minus strand). VCF-style: chr6-42704612-C-T. GRCh37 (hg19) VCF-style: chr6-42672350-C-T.
Identifiers: ClinVar variation 942452 (VCV000942452.13), dbSNP rs1800118693, ClinGen allele CA364135897.